The following is an entry in ClinVar:

ClinVar aggregate classification (germline): Uncertain significance (1 of 4 stars; one submission).

Allele frequency attached by ClinVar (database versions not stated): ExAC 0.00002; gnomAD exomes 0.00002; gnomAD 0.00003; TOPMed 0.00003.
gnomAD v4.1: 29 of 1,614,046 alleles (0.0018%); highest among the groups gnomAD compares: East Asian, 0.0022%; no homozygotes.

Submission:

Labcorp Genetics (formerly Invitae), Labcorp
Classification: Uncertain significance. Last evaluated: 2024-01-29. Review status: criteria provided, single submitter. Criteria: Invitae Variant Classification Sherloc (09022015). Collection method: clinical testing. Allele origin: germline.
Comment: This sequence change replaces arginine, which is basic and polar, with tryptophan, which is neutral and slightly polar, at codon 228 of the SLC13A3 protein (p.Arg228Trp). This variant is present in population databases (rs747577545, gnomAD 0.005%). This variant has not been reported in the literature in individuals affected with SLC13A3-related conditions. ClinVar contains an entry for this variant (Variation ID: 1902407). Advanced modeling of protein sequence and biophysical properties (such as structural, functional, and spatial information, amino acid conservation, physicochemical variation, residue mobility, and thermodynamic stability) performed at Invitae indicates that this missense variant is not expected to disrupt SLC13A3 protein function with a negative predictive value of 80%. In summary, the available evidence is currently insufficient to determine the role of this variant in disease. Therefore, it has been classified as a Variant of Uncertain Significance.

NM_022829.6(SLC13A3):c.682C>T (p.Arg228Trp)

Gene: SLC13A3 (solute carrier family 13 member 3; minus strand). Cytogenetic location: 20q13.12.
Variant type: single nucleotide variant.
Coding change: c.682C>T on transcript NM_022829.6 (MANE Select); coding-DNA position 682, C replaced by T.
Protein change: p.Arg228Trp; replaces arginine 228 with tryptophan.
Molecular consequence: missense variant. On other transcripts: synonymous variant (1).
Genome position (GRCh38, 1-based): chr20:46,596,269, G>A on the plus strand (C>T on the coding strand, the complement: SLC13A3 is on the minus strand). VCF-style: chr20-46596269-G-A. GRCh37 (hg19) VCF-style: chr20-45224908-G-A.
Other names: c.541C>T, p.Arg181Trp (NM_001011554.3, NM_001193340.2); c.615C>T, p.Val205= (NM_001193339.2); c.388C>T, p.Arg130Trp (NM_001193342.2); short protein forms R181W, R228W, R130W.
Identifiers: ClinVar variation 1902407 (VCV001902407.5), dbSNP rs747577545, ClinGen allele CA9891545.